The following is an entry in ClinVar:

ClinVar aggregate classification (germline): Pathogenic (1 of 4 stars; one submission).

Conditions:
Inborn genetic diseases. Identifiers: MedGen C0950123, MeSH D030342.

Submission:

Ambry Genetics
Classification: Pathogenic for Inborn genetic diseases. Last evaluated: 2020-11-17. Review status: criteria provided, single submitter. Criteria: Ambry Variant Classification Scheme 2023. Collection method: clinical testing. Allele origin: germline.
Comment: The c.893delC (p.P298Hfs*30) alteration, located in coding exon 6 of the WDR26 gene, consists of a deletion of one nucleotide at position 893, causing a translational frameshift with a predicted alternate stop codon after 30 amino acids. This alteration is expected to result in loss of function by premature protein truncation or nonsense-mediated mRNA decay. Based on data from the Genome Aggregation Database (gnomAD), the WDR26 c.893delC alteration was not observed, with coverage at this position. Based on the available evidence, this alteration is classified as pathogenic.

NM_001379403.1(WDR26):c.1193del (p.Pro398fs)

Gene: WDR26 (WD repeat domain 26; minus strand). Cytogenetic location: 1q42.12.
Variant type: Deletion.
Coding change: c.1193del on transcript NM_001379403.1 (MANE Select); coding-DNA position 1193, one base deleted (C; older notation c.1193delC).
Protein change: p.Pro398fs; shifts the reading frame from proline 398.
Molecular consequence: frameshift variant.
Genome position (GRCh38, 1-based): chr1:224,418,386, G deleted on the plus strand (C on the coding strand, the reverse complement: WDR26 is on the minus strand); the first of 5 consecutive G bases (chr1:224,418,386-224,418,390); deleting any one gives the same sequence. VCF-style (leftmost placement, unchanged base first): chr1-224418385-TG-T. GRCh37 (hg19) VCF-style: chr1-224606087-TG-T.
Other names: c.845del, p.Pro282fs (NM_001115113.3); c.893del, p.Pro298fs (NM_025160.7); short protein forms P282fs, P298fs, P398fs.
Identifiers: ClinVar variation 2228077 (VCV002228077.2), dbSNP rs2464743563, ClinGen allele CA2580062232.